The following is an entry in ClinVar:

ClinVar aggregate classification (germline): Uncertain significance (1 of 4 stars; one submission).

gnomAD v4.1: 8 of 1,614,188 alleles (0.0005%); highest among the groups gnomAD compares: Admixed American, 0.0067%; no homozygotes.

Submission:

GeneDx
Classification: Uncertain significance. Last evaluated: 2024-04-19. Review status: criteria provided, single submitter. Criteria: GeneDx Variant Classification Process June 2021. Collection method: clinical testing. Allele origin: germline. Affected: yes.
Comment: Reported in the published literature in association with a VWF-related disorder (PMID: 28971901); In silico analysis indicates that this missense variant does not alter protein structure/function; Not observed at significant frequency in large population cohorts (gnomAD); This variant is associated with the following publications: (PMID: 28971901)

NM_000552.5(VWF):c.6433C>G (p.Pro2145Ala)

Gene: VWF (von Willebrand factor; minus strand). Cytogenetic location: 12p13.31.
Variant type: single nucleotide variant.
Coding change: c.6433C>G on transcript NM_000552.5 (MANE Select); coding-DNA position 6433, C replaced by G.
Protein change: p.Pro2145Ala; replaces proline 2145 with alanine.
Molecular consequence: missense variant.
Genome position (GRCh38, 1-based): chr12:5,994,027, G>C on the plus strand (C>G on the coding strand, the complement: VWF is on the minus strand). VCF-style: chr12-5994027-G-C. GRCh37 (hg19) VCF-style: chr12-6103193-G-C.
Other names: short protein forms P2145A.
Identifiers: ClinVar variation 3364338 (VCV003364338.1).